The following is an entry in ClinVar:

NM_001042492.3(NF1):c.1486A>T (p.Met496Leu)

Gene: NF1 (neurofibromin 1; plus strand). Cytogenetic location: 17q11.2.
Variant type: single nucleotide variant.
Coding change: c.1486A>T on transcript NM_001042492.3 (MANE Select); coding-DNA position 1486, A replaced by T.
Protein change: p.Met496Leu; replaces methionine 496 with leucine.
Molecular consequence: missense variant.
Genome position (GRCh38, 1-based): chr17:31,214,544, A>T. VCF-style: chr17-31214544-A-T. GRCh37 (hg19) VCF-style: chr17-29541562-A-T.
Other names: c.1486A>T, p.Met496Leu (NM_000267.4, NM_001128147.3); short protein forms M496L.
Identifiers: ClinVar variation 2014509 (VCV002014509.4), dbSNP rs2143960004, ClinGen allele CA399001617.

ClinVar aggregate classification (germline): Uncertain significance (1 of 4 stars; one submission).

Conditions:
Neurofibromatosis, type 1 (NF1). Also called: Neurofibromatosis, type I; Peripheral type neurofibromatosis; VON RECKLINGHAUSEN DISEASE; NEUROFIBROMATOSIS, TYPE I, SOMATIC. Identifiers: Orphanet 636, MedGen C0027831, MONDO:0018975, OMIM 162200. Disease mechanism: loss of function.

Allele frequency attached by ClinVar (database versions not stated): gnomAD exomes below 0.00001.

Submission:

Labcorp Genetics (formerly Invitae), Labcorp
Classification: Uncertain significance for Neurofibromatosis, type 1. Last evaluated: 2022-07-06. Review status: criteria provided, single submitter. Criteria: Invitae Variant Classification Sherloc (09022015). Collection method: clinical testing. Allele origin: germline.
Comment: Advanced modeling of protein sequence and biophysical properties (such as structural, functional, and spatial information, amino acid conservation, physicochemical variation, residue mobility, and thermodynamic stability) performed at Invitae indicates that this missense variant is not expected to disrupt NF1 protein function. This variant has not been reported in the literature in individuals affected with NF1-related conditions. This variant is not present in population databases (gnomAD no frequency). This sequence change replaces methionine, which is neutral and non-polar, with leucine, which is neutral and non-polar, at codon 496 of the NF1 protein (p.Met496Leu). In summary, the available evidence is currently insufficient to determine the role of this variant in disease. Therefore, it has been classified as a Variant of Uncertain Significance.